The following is an entry in ClinVar:

NM_000448.3(RAG1):c.2444T>C (p.Ile815Thr)

Gene: RAG1 (recombination activating 1; plus strand). Cytogenetic location: 11p12.
Variant type: single nucleotide variant.
Coding change: c.2444T>C on transcript NM_000448.3 (MANE Select); coding-DNA position 2444, T replaced by C.
Protein change: p.Ile815Thr; replaces isoleucine 815 with threonine.
Molecular consequence: missense variant.
Genome position (GRCh38, 1-based): chr11:36,575,748, T>C. VCF-style: chr11-36575748-T-C. GRCh37 (hg19) VCF-style: chr11-36597298-T-C.
Other names: c.2444T>C, p.Ile815Thr (NM_001377277.1, NM_001377278.1, NM_001377279.1 and 1 more transcripts); short protein forms I815T.
Identifiers: ClinVar variation 857892 (VCV000857892.7), dbSNP rs1251259946, ClinGen allele CA380154736.
Genomic context (GRCh38, chr11:36,575,748, plus strand): 5'-ATGCACTCCACTGTGACATTGGCAATGCAGCTGAGTTCTACAAGATCTTCCAGCTAGAGA[T>C]AGGGGAAGTGTATAAGAATCCCAATGCTTCCAAAGAGGAAAGGAAAAGGTGGCAGGCCAC-3'
Protein context (NP_000439.2, residues 805-825): AEFYKIFQLE[Ile815Thr]GEVYKNPNAS

ClinVar aggregate classification (germline): Uncertain significance (1 of 4 stars; one submission).

Conditions:
Combined immunodeficiency with skin granulomas. Identifiers: Orphanet 157949, MedGen C2673536, MONDO:0009306, OMIM 233650.
Severe combined immunodeficiency, autosomal recessive, T cell-negative, B cell-negative, NK cell-positive. Also called: SCID, AR, T-cell negative, B-cell negative, NK cell-positive; SCID, T CELL-NEGATIVE, B CELL-NEGATIVE, NK CELL-POSITIVE; Severe combined immunodeficiency due to complete RAG1/2 deficiency. Identifiers: Orphanet 331206, MedGen C1832322, MONDO:0011086, OMIM 601457.

Allele frequency attached by ClinVar (database versions not stated): gnomAD exomes below 0.00001; TOPMed below 0.00001.
gnomAD v4.1: 4 of 1,614,160 alleles (0.00025%); highest among the groups gnomAD compares: East Asian, 0.0022%; no homozygotes.

Submission:

Labcorp Genetics (formerly Invitae), Labcorp
Classification: Uncertain significance for Combined immunodeficiency with skin granulomas; Severe combined immunodeficiency, autosomal recessive, T cell-negative, B cell-negative, NK cell-positive. Last evaluated: 2021-08-31. Review status: criteria provided, single submitter. Criteria: Invitae Variant Classification Sherloc (09022015). Collection method: clinical testing. Allele origin: germline.
Comment: This sequence change replaces isoleucine with threonine at codon 815 of the RAG1 protein (p.Ile815Thr). The isoleucine residue is highly conserved and there is a moderate physicochemical difference between isoleucine and threonine. This variant is not present in population databases (ExAC no frequency). This variant has not been reported in the literature in individuals affected with RAG1-related conditions. Algorithms developed to predict the effect of missense changes on protein structure and function are either unavailable or do not agree on the potential impact of this missense change (SIFT: "Deleterious"; PolyPhen-2: "Probably Damaging"; Align-GVGD: "Class C0"). In summary, the available evidence is currently insufficient to determine the role of this variant in disease. Therefore, it has been classified as a Variant of Uncertain Significance.